The following is an entry in ClinVar:

NM_170606.3(KMT2C):c.3372A>C (p.Glu1124Asp)

Gene: KMT2C (lysine methyltransferase 2C; minus strand). Cytogenetic location: 7q36.1.
Variant type: single nucleotide variant.
Coding change: c.3372A>C on transcript NM_170606.3 (MANE Select); coding-DNA position 3372, A replaced by C.
Protein change: p.Glu1124Asp; replaces glutamic acid 1124 with aspartic acid.
Molecular consequence: missense variant.
Genome position (GRCh38, 1-based): chr7:152,222,634, T>G on the plus strand (A>C on the coding strand, the complement: KMT2C is on the minus strand). VCF-style: chr7-152222634-T-G. GRCh37 (hg19) VCF-style: chr7-151919719-T-G.
Other names: short protein forms E1124D.
Identifiers: ClinVar variation 4076677 (VCV004076677.1).
Genomic context (GRCh38, chr7:152,222,634, plus strand): 5'-ATTAGACGCAGGCATATAGGGTCTGCACATGCTACAATCAAAACCAATGTCTGCTACATT[T>G]TCCACTTCTTCCTCAGTATTTAAGTTCTGACAAACTGCATGCATCCATCTAAAAAGACCA-3'
Protein context (NP_733751.2, residues 1114-1134): CQNLNTEEEV[Glu1124Asp]NVADIGFDCS

ClinVar aggregate classification (germline): Uncertain significance (1 of 4 stars; one submission).

Submission:

GeneDx
Classification: Uncertain significance. Last evaluated: 2025-02-20. Review status: criteria provided, single submitter. Criteria: GeneDx Variant Classification Process June 2021. Collection method: clinical testing. Allele origin: germline. Affected: yes.
Comment: Not observed at significant frequency in large population cohorts (gnomAD); In silico analysis supports that this missense variant has a deleterious effect on protein structure/function; Has not been previously published as pathogenic or benign to our knowledge